The following is an entry in ClinVar:

NM_133261.3(GIPC3):c.172G>A (p.Val58Ile)

Gene: GIPC3 (GIPC PDZ domain containing family member 3; plus strand). Cytogenetic location: 19p13.3.
Variant type: single nucleotide variant.
Coding change: c.172G>A on transcript NM_133261.3 (MANE Select); coding-DNA position 172, G replaced by A.
Protein change: p.Val58Ile; replaces valine 58 with isoleucine.
Molecular consequence: missense variant.
Genome position (GRCh38, 1-based): chr19:3,585,769, G>A. VCF-style: chr19-3585769-G-A. GRCh37 (hg19) VCF-style: chr19-3585767-G-A.
Other names: c.172G>A, p.Val58Ile (NM_001411144.1); short protein forms V58I.
Identifiers: ClinVar variation 1704974 (VCV001704974.3), dbSNP rs889681720, ClinGen allele CA304414432.

ClinVar aggregate classification (germline): Uncertain significance. Review status: criteria provided, multiple submitters, no conflicts (2 of 4 stars). 2 submissions from 2 submitters: Uncertain significance (2). Last evaluated 2024-02-22.

Conditions:
Inborn genetic diseases. Identifiers: MedGen C0950123, MeSH D030342.

Allele frequency attached by ClinVar (database versions not stated): gnomAD 0.00003; gnomAD exomes 0.00003; TOPMed 0.00005.
gnomAD v4.1: 41 of 1,547,396 alleles (0.0026%); highest among the groups gnomAD compares: Non-Finnish European, 0.0033%; no homozygotes.

Submissions (2):

Ambry Genetics
Classification: Uncertain significance for Inborn genetic diseases. Last evaluated: 2024-02-22. Review status: criteria provided, single submitter. Criteria: Ambry Variant Classification Scheme 2023. Collection method: clinical testing. Allele origin: germline.

GeneDx
Classification: Uncertain significance. Last evaluated: 2022-09-09. Review status: criteria provided, single submitter. Criteria: GeneDx Variant Classification Process June 2021. Collection method: clinical testing. Allele origin: germline. Affected: yes.
Comment: Not observed at significant frequency in large population cohorts (gnomAD); In silico analysis supports that this missense variant does not alter protein structure/function; Has not been previously published as pathogenic or benign to our knowledge